The following is an entry in ClinVar:

NM_000271.5(NPC1):c.873G>T (p.Trp291Cys)

Gene: NPC1 (NPC intracellular cholesterol transporter 1; minus strand). Cytogenetic location: 18q11.2.
Variant type: single nucleotide variant.
Coding change: c.873G>T on transcript NM_000271.5 (MANE Select); coding-DNA position 873, G replaced by T.
Protein change: p.Trp291Cys; replaces tryptophan 291 with cysteine.
Molecular consequence: missense variant.
Genome position (GRCh38, 1-based): chr18:23,560,239, C>A on the plus strand (G>T on the coding strand, the complement: NPC1 is on the minus strand). VCF-style: chr18-23560239-C-A. GRCh37 (hg19) VCF-style: chr18-21140203-C-A.
Other names: short protein forms W291C.
Identifiers: ClinVar variation 289805 (VCV000289805.23), dbSNP rs138151007, ClinGen allele CA8913623.

ClinVar aggregate classification (germline): Uncertain significance. Review status: criteria provided, multiple submitters, no conflicts (2 of 4 stars). 10 submissions from 10 submitters: Uncertain significance (7). 3 of the submissions do not count toward it. Last evaluated 2026-02-12.

Conditions:
NPC1-related disorder. Also called: NPC1-related condition.
Inborn genetic diseases. Identifiers: MedGen C0950123, MeSH D030342.
Niemann-Pick disease, type C1. Also called: NEUROVISCERAL STORAGE DISEASE WITH VERTICAL SUPRANUCLEAR OPHTHALMOPLEGIA; NIEMANN-PICK DISEASE WITH CHOLESTEROL ESTERIFICATION BLOCK; NIEMANN-PICK DISEASE WITHOUT SPHINGOMYELINASE DEFICIENCY; NIEMANN-PICK DISEASE, CHRONIC NEURONOPATHIC FORM; NIEMANN-PICK DISEASE, VARIANT TYPE C1. Identifiers: Orphanet 646, MedGen C3179455, MONDO:0009757, OMIM 257220.

Allele frequency attached by ClinVar (database versions not stated): gnomAD exomes 0.00006 and 0.00008; ExAC 0.00009; gnomAD 0.00045; TOPMed 0.00051; ESP Exome Variant Server 0.00054; 1000 Genomes Project 0.00060; 1000 Genomes Project 30x 0.00094.

Submissions (10):

PreventionGenetics, part of Exact Sciences
Classification: Uncertain significance for NPC1-related condition. Last evaluated: 2026-02-12. Review status: criteria provided, single submitter. Criteria: ACMG Guidelines, 2015. Collection method: clinical testing. Allele origin: germline.
Comment: The NPC1 c.873G>T variant is predicted to result in the amino acid substitution p.Trp291Cys. This variant was observed in one individual in a cohort study of inborn errors of metabolism in psychiatric populations (Sriretnakumar et al. 2019. PubMed ID: 30556376). This variant in the heterozygous condition was reported in one individual with cholestatic disorder, however, the individual symptoms were resolved without intervention (Jeyaraj et al. 2021. PubMed ID: 34828443). This variant is reported in 0.12% of alleles in individuals of African descent in gnomAD, which is likely too frequent for a disease-causing variant. Although we suspect that this variant may be benign, at this time, the clinical significance of this variant is uncertain due to the absence of conclusive functional and genetic evidence.

Ambry Genetics
Classification: Uncertain significance for Inborn genetic diseases. Last evaluated: 2025-04-15. Review status: criteria provided, single submitter. Criteria: Ambry Variant Classification Scheme 2023. Collection method: clinical testing. Allele origin: germline.
Comment: Based on insufficient or conflicting evidence, the clinical significance of this alteration remains unclear.

Revvity Omics, Revvity
Classification: Uncertain significance for Niemann-Pick disease, type C1. Last evaluated: 2023-10-24. Review status: criteria provided, single submitter. Criteria: ACMG Guidelines, 2015. Collection method: clinical testing. Allele origin: germline.

Labcorp Genetics (formerly Invitae), Labcorp
Classification: Uncertain significance for Niemann-Pick disease, type C1. Last evaluated: 2022-11-01. Review status: criteria provided, single submitter. Criteria: Invitae Variant Classification Sherloc (09022015). Collection method: clinical testing. Allele origin: germline.
Comment: This sequence change replaces tryptophan, which is neutral and slightly polar, with cysteine, which is neutral and slightly polar, at codon 291 of the NPC1 protein (p.Trp291Cys). This variant is present in population databases (rs138151007, gnomAD 0.1%). This variant has not been reported in the literature in individuals affected with NPC1-related conditions. ClinVar contains an entry for this variant (Variation ID: 289805). Advanced modeling of protein sequence and biophysical properties (such as structural, functional, and spatial information, amino acid conservation, physicochemical variation, residue mobility, and thermodynamic stability) performed at Invitae indicates that this missense variant is expected to disrupt NPC1 protein function. In summary, the available evidence is currently insufficient to determine the role of this variant in disease. Therefore, it has been classified as a Variant of Uncertain Significance.

Fulgent Genetics
Classification: Uncertain significance for Niemann-Pick disease, type C1. Last evaluated: 2022-04-14. Review status: criteria provided, single submitter. Criteria: ACMG Guidelines, 2015. Collection method: clinical testing. Allele origin: unknown.

Eurofins Ntd Llc (ga)
Classification: Uncertain significance. Last evaluated: 2018-02-23. Review status: criteria provided, single submitter. Criteria: EGL ClinVar v180209 classification definitions. Collection method: clinical testing. Allele origin: germline. Observed: 4 variant alleles, 4 heterozygotes.

Illumina Laboratory Services, Illumina
Classification: Uncertain significance for Niemann-Pick disease type C1. Last evaluated: 2017-04-27. Review status: criteria provided, single submitter. Criteria: ICSL Variant Classification Criteria 13 December 2019. Collection method: clinical testing. Allele origin: germline.

Natera, Inc.
Classification: Uncertain significance for Niemann-Pick disease type C1. Last evaluated: 2020-09-16. Review status: no assertion criteria provided. Collection method: clinical testing. Allele origin: germline. Not counted in ClinVar's aggregate classification.

Mayo Clinic Laboratories, Mayo Clinic
Classification: Uncertain significance. Last evaluated: 2017-05-17. Review status: no assertion criteria provided. Collection method: clinical testing. Allele origin: unknown. Not counted in ClinVar's aggregate classification.

Department of Pathology and Laboratory Medicine, Sinai Health System
Classification: Uncertain significance. Review status: no assertion criteria provided. Collection method: clinical testing. Allele origin: unknown. Affected: yes. Study: The Canadian Open Genetics Repository (COGR). Not counted in ClinVar's aggregate classification.
Comment: The NPC1 p.Trp291Cys variant was not identified in the literature but was identified in dbSNP (ID: rs138151007), ClinVar (classified as uncertain significance by EGL Genetics, Fulgent Genetics, Invitae, and Mayo Clinic), and LOVD 3.0 (variant effect not shared). The variant was identified in control databases in 32 of 281902 chromosomes at a frequency of 0.0001135 (Genome Aggregation Database March 6, 2019, v2.1.1). The variant was observed in the following populations: African in 31 of 24830 chromosomes (freq: 0.001248) and Latino in 1 of 35406 chromosomes (freq: 0.000028), but was not observed in the Ashkenazi Jewish, East Asian, European (Finnish), European (non-Finnish), Other, or South Asian populations. The p.Trp291 residue is conserved in mammals but not in more distantly related organisms, and four out of five computational analyses (PolyPhen-2, SIFT, AlignGVGD, BLOSUM, MutationTaster) suggest that the variant may impact the protein; however, this information is not predictive enough to assume pathogenicity. The variant occurs outside of the splicing consensus sequence and two of four in silico or computational prediction software programs (SpliceSiteFinder, MaxEntScan, NNSPLICE, GeneSplicer) predict a greater than 10% difference in splicing; this is not very predictive of pathogenicity. In summary, based on the above information the clinical significance of this variant cannot be determined with certainty at this time. This variant is classified as a variant of uncertain significance.

Literature cited by the submitters: PubMed 28106320 (cited by Ambry Genetics).